The following is an entry in ClinVar:

ClinVar aggregate classification (germline): Uncertain significance (1 of 4 stars; one submission).

Conditions:
Colorectal cancer, hereditary nonpolyposis, type 7. Identifiers: Orphanet 144, MedGen C1858380, MONDO:0013725, OMIM 614385.

Submission:

Labcorp Genetics (formerly Invitae), Labcorp
Classification: Uncertain significance for Colorectal cancer, hereditary nonpolyposis, type 7. Last evaluated: 2022-07-25. Review status: criteria provided, single submitter. Criteria: Invitae Variant Classification Sherloc (09022015). Collection method: clinical testing. Allele origin: germline.
Comment: In summary, the available evidence is currently insufficient to determine the role of this variant in disease. Therefore, it has been classified as a Variant of Uncertain Significance. Algorithms developed to predict the effect of missense changes on protein structure and function (SIFT, PolyPhen-2, Align-GVGD) all suggest that this variant is likely to be tolerated. This variant has not been reported in the literature in individuals affected with MLH3-related conditions. This variant is not present in population databases (gnomAD no frequency). This sequence change replaces glutamic acid, which is acidic and polar, with glutamine, which is neutral and polar, at codon 176 of the MLH3 protein (p.Glu176Gln).

NM_001040108.2(MLH3):c.526G>C (p.Glu176Gln)

Gene: MLH3 (mutL homolog 3; minus strand). Cytogenetic location: 14q24.3.
Variant type: single nucleotide variant.
Coding change: c.526G>C on transcript NM_001040108.2 (MANE Select); coding-DNA position 526, G replaced by C.
Protein change: p.Glu176Gln; replaces glutamic acid 176 with glutamine.
Molecular consequence: missense variant.
Genome position (GRCh38, 1-based): chr14:75,049,130, C>G on the plus strand (G>C on the coding strand, the complement: MLH3 is on the minus strand). VCF-style: chr14-75049130-C-G. GRCh37 (hg19) VCF-style: chr14-75515833-C-G.
Other names: c.526G>C, p.Glu176Gln (NM_014381.3); short protein forms E176Q.
Identifiers: ClinVar variation 1979878 (VCV001979878.4), dbSNP rs2139604092, ClinGen allele CA390449968.